The following is an entry in ClinVar:

ClinVar aggregate classification (germline): Pathogenic (1 of 4 stars; one submission).

Conditions:
Primary ciliary dyskinesia. Also called: Ciliary dyskinesia. Identifiers: Orphanet 244, MedGen C0008780, MONDO:0016575, HP:0012265.

Submission:

Labcorp Genetics (formerly Invitae), Labcorp
Classification: Pathogenic for Primary ciliary dyskinesia. Last evaluated: 2018-01-22. Review status: criteria provided, single submitter. Criteria: Invitae Variant Classification Sherloc (09022015). Collection method: clinical testing. Allele origin: germline.
Comment: This variant is a gross deletion of the genomic region encompassing part of exon 11 of the DNAH5 gene including the exon 11-intron 11 boundary (c.1481_c.1537-168del). This is expected to create a premature translational stop signal and result in an absent or disrupted protein product. This variant has not been reported in the literature in individuals with DNAH5-related disease. Loss-of-function variants in DNAH5 are known to be pathogenic (PMID: 11788826, 16627867). For these reasons, this variant has been classified as Pathogenic.

Literature cited by the submitters: PubMed 11788826; PubMed 16627867.

NC_000005.10:g.(?_13913723)_(13913978_?)del

Gene: DNAH5 (dynein axonemal heavy chain 5; minus strand). Cytogenetic location: 5p15.2.
Variant type: Deletion.
Identifiers: ClinVar variation 583441 (VCV000583441.16).